The following is an entry in ClinVar:

NM_000492.4(CFTR):c.29G>A (p.Ser10Asn)

Gene: CFTR (CF transmembrane conductance regulator; plus strand). Cytogenetic location: 7q31.2.
Variant type: single nucleotide variant.
Coding change: c.29G>A on transcript NM_000492.4 (MANE Select); coding-DNA position 29, G replaced by A.
Protein change: p.Ser10Asn; replaces serine 10 with asparagine.
Molecular consequence: missense variant.
Genome position (GRCh38, 1-based): chr7:117,480,123, G>A. VCF-style: chr7-117480123-G-A. GRCh37 (hg19) VCF-style: chr7-117120177-G-A.
Other names: short protein forms S10N.
Identifiers: ClinVar variation 439071 (VCV000439071.19), dbSNP rs762241850, ClinGen allele CA164948918.

ClinVar aggregate classification (germline): Uncertain significance. Review status: criteria provided, multiple submitters, no conflicts (2 of 4 stars). 9 submissions from 9 submitters: Uncertain significance (8). 1 of the submissions does not count toward it. Last evaluated 2025-09-10.

Conditions:
CFTR-related disorder (CFTR-RD). Also called: CFTR-related disorders; CFTR-related condition. Identifiers: MedGen C5924204, MONDO:7770004.
Cystic fibrosis (CF). Also called: MUCOVISCIDOSIS. Identifiers: Orphanet 586, MedGen C0010674, MONDO:0009061, OMIM 219700. Disease mechanism: loss of function.

Allele frequency attached by ClinVar (database versions not stated): gnomAD exomes below 0.00001; TOPMed 0.00002.

Submissions (9):

Genomic Medicine Center of Excellence, King Faisal Specialist Hospital and Research Centre
Classification: Uncertain significance for Cystic fibrosis. Last evaluated: 2025-09-10. Review status: criteria provided, single submitter. Criteria: ACMG Guidelines, 2015. Collection method: clinical testing. Allele origin: germline.

Ambry Genetics
Classification: Uncertain significance for Cystic fibrosis. Last evaluated: 2024-07-08. Review status: criteria provided, single submitter. Criteria: Ambry Variant Classification Scheme 2023. Collection method: clinical testing. Allele origin: germline.
Comment: The p.S10N variant (also known as c.29G>A), located in coding exon 1 of the CFTR gene, results from a G to A substitution at nucleotide position 29. The serine at codon 10 is replaced by asparagine, an amino acid with highly similar properties. This amino acid position is well conserved in available vertebrate species. In addition, this alteration is predicted to be tolerated by in silico analysis. Based on the available evidence, the clinical significance of this variant remains unclear.

ARUP Laboratories, Molecular Genetics and Genomics, ARUP Laboratories
Classification: Uncertain significance. Last evaluated: 2024-01-04. Review status: criteria provided, single submitter. Criteria: ARUP Molecular Germline Variant Investigation Process 2024. Collection method: clinical testing. Allele origin: germline.
Comment: The CFTR c.29G>A; p.Ser10Asn variant (rs762241850), to our knowledge, is not reported in the medical literature but is reported in ClinVar (Variation ID: 439071). This variant is only observed on one allele in the Genome Aggregation Database (v2.1.1), indicating it is not a common polymorphism. Computational analyses are uncertain whether this variant is neutral or deleterious (REVEL: 0.259). Due to limited information, the clinical significance of this variant is uncertain at this time.

Labcorp Genetics (formerly Invitae), Labcorp
Classification: Uncertain significance for Cystic fibrosis. Last evaluated: 2022-07-14. Review status: criteria provided, single submitter. Criteria: Invitae Variant Classification Sherloc (09022015). Collection method: clinical testing. Allele origin: germline.
Comment: This sequence change replaces serine, which is neutral and polar, with asparagine, which is neutral and polar, at codon 10 of the CFTR protein (p.Ser10Asn). This variant is present in population databases (rs762241850, gnomAD 0.003%). This variant has not been reported in the literature in individuals affected with CFTR-related conditions. ClinVar contains an entry for this variant (Variation ID: 439071). Algorithms developed to predict the effect of missense changes on protein structure and function output the following: SIFT: "Tolerated"; PolyPhen-2: "Benign"; Align-GVGD: "Class C0". The asparagine amino acid residue is found in multiple mammalian species, which suggests that this missense change does not adversely affect protein function. In summary, the available evidence is currently insufficient to determine the role of this variant in disease. Therefore, it has been classified as a Variant of Uncertain Significance.

Genome-Nilou Lab
Classification: Uncertain significance for Cystic fibrosis. Last evaluated: 2021-09-05. Review status: criteria provided, single submitter. Criteria: ACMG Guidelines, 2015. Collection method: clinical testing. Allele origin: germline. Affected: no.

Women's Health and Genetics/Laboratory Corporation of America, LabCorp
Classification: Uncertain significance. Last evaluated: 2019-01-02. Review status: criteria provided, single submitter. Criteria: LabCorp Variant Classification Summary - May 2015. Collection method: clinical testing. Allele origin: germline.
Comment: Variant summary: CFTR c.29G>A (p.Ser10Asn) results in a conservative amino acid change in the encoded protein sequence. Five of five in-silico tools predict a benign effect of the variant on protein function. The variant allele was found at a frequency of 4.1e-06 in 245888 control chromosomes (gnomAD). The available data on variant occurrences in the general population are insufficient to allow any conclusion about variant significance. To our knowledge, no occurrence of c.29G>A in individuals affected with Chronic Pancreatitis Risk and no experimental evidence demonstrating its impact on protein function have been reported. Two ClinVar submissions from clinical diagnostic laboratories (evaluation after 2014) cite the variant as uncertain significance. Based on the evidence outlined above, the variant was classified as uncertain significance.

Illumina Laboratory Services, Illumina
Classification: Uncertain significance for CFTR-Related Disorders. Last evaluated: 2018-01-13. Review status: criteria provided, single submitter. Criteria: ICSL Variant Classification Criteria 13 December 2019. Collection method: clinical testing. Allele origin: germline.

Quest Diagnostics Nichols Institute San Juan Capistrano
Classification: Uncertain significance. Last evaluated: 2017-03-06. Review status: criteria provided, single submitter. Criteria: Quest Diagnostics criteria. Collection method: clinical testing. Allele origin: germline.

Natera, Inc.
Classification: Uncertain significance for Cystic Fibrosis. Last evaluated: 2020-09-16. Review status: no assertion criteria provided. Collection method: clinical testing. Allele origin: germline. Not counted in ClinVar's aggregate classification.